The following is an entry in ClinVar:

ClinVar aggregate classification (germline): Pathogenic. Review status: criteria provided, multiple submitters, no conflicts (2 of 4 stars). 10 submissions from 10 submitters: Pathogenic (6). 4 of the submissions do not count toward it. Last evaluated 2026-04-14.

Conditions:
Familial intrahepatic cholestasis. Identifiers: Orphanet 284385, MedGen CN296401, MONDO:0017290.
ATP8B1-related disorder. Also called: ATP8B1-related disorders; ATP8B1-related condition.
Progressive familial intrahepatic cholestasis (PFIC). Also called: Progressive intrahepatic cholestasis; Progressive family intrahepatic cholestasis. Identifiers: Orphanet 172, MedGen C0268312, MONDO:0015762.
Progressive familial intrahepatic cholestasis type 1. Also called: Byler's disease; Severe ATP8B1 Deficiency (Progressive Familial Intrahepatic Cholestasis Type 1 [PFIC1]); BYLER DISEASE. Identifiers: Orphanet 79306, MedGen C4551898, MONDO:0008892, OMIM 211600.

Allele frequency attached by ClinVar (database versions not stated): gnomAD 0.00002 and 0.00006; TOPMed 0.00007.
gnomAD v4.1: 10 of 1,613,940 alleles (0.00062%); highest among the groups gnomAD compares: Non-Finnish European, 0.00042%; no homozygotes.

Submissions (10):

Genomenon, Inc
Classification: Pathogenic for Familial intrahepatic cholestasis. Last evaluated: 2026-04-14. Review status: criteria provided, single submitter. Criteria: Genomenon Sequence Variant Interpretation Standards - Updated. Collection method: curation. Allele origin: germline. Affected: yes.
Comment: ATP8B1 p.Gly308Val (c.923G>T) is a missense variant that changes the amino acid at residue 308 from Glycine to Valine. This variant has been observed in at least one proband with features of ATP8B1-deficiency (PMID:9500542;10323248;20232290;18937870). The variant was found to segregate with disease in at least one affected family (PMID:18937870). At least one functional study has demonstrated a substantial alteration in protein function relative to the wild-type (PMID:19918981;19731236). It is absent or not present at a significant frequency in gnomAD. In silico models predict that this variant is possibly or probably damaging. In conclusion, we classify ATP8B1 p.Gly308Val (c.923G>T) as a pathogenic variant.

Women's Health and Genetics/Laboratory Corporation of America, LabCorp
Classification: Pathogenic for Progressive familial intrahepatic cholestasis. Last evaluated: 2024-11-04. Review status: criteria provided, single submitter. Criteria: LabCorp Variant Classification Summary - May 2015. Collection method: clinical testing. Allele origin: germline.
Comment: Variant summary: ATP8B1 c.923G>T (p.Gly308Val) results in a non-conservative amino acid change in the encoded protein sequence. Four of four in-silico tools predict a damaging effect of the variant on protein function. The variant was absent in 251404 control chromosomes (gnomAD). c.923G>T has been reported in the literature in several homozygous individuals affected with Familial Intrahepatic Cholestasis (e.g. van Wessel_2021). These data indicate that the variant is very likely to be associated with disease. Publication also reported experimental evidence evaluating an impact on protein function and demonstrated highly reduced protein stability, with the absence of plasma membrane expression (Folmer_2009), in addition, mice expressing G308V/G308V showed perturbed bile salt homeostasis (Pawlikowska_2004). The following publications have been ascertained in the context of this evaluation (PMID: 19731236, 14976163, 33666275). ClinVar contains an entry for this variant (Variation ID: 7262). Based on the evidence outlined above, the variant was classified as pathogenic.

GeneDx
Classification: Pathogenic. Last evaluated: 2023-11-24. Review status: criteria provided, single submitter. Criteria: GeneDx Variant Classification Process June 2021. Collection method: clinical testing. Allele origin: germline. Affected: yes.
Comment: Not observed at significant frequency in large population cohorts (gnomAD); In silico analysis supports that this missense variant has a deleterious effect on protein structure/function; Published functional studies demonstrate a damaging effect with this variant resulting a functionally abnormal protein (PMID: 19731236, 19918981); This variant is associated with the following publications: (PMID: 33666275, 19918981, 19381753, 14976163, 34016879, 19731236, 9500542)

Labcorp Genetics (formerly Invitae), Labcorp
Classification: Pathogenic. Last evaluated: 2023-09-10. Review status: criteria provided, single submitter. Criteria: Invitae Variant Classification Sherloc (09022015). Collection method: clinical testing. Allele origin: germline.
Comment: For these reasons, this variant has been classified as Pathogenic. Experimental studies have shown that this missense change affects ATP8B1 function (PMID: 14976163, 19381753, 19918981). Advanced modeling of protein sequence and biophysical properties (such as structural, functional, and spatial information, amino acid conservation, physicochemical variation, residue mobility, and thermodynamic stability) performed at Invitae indicates that this missense variant is expected to disrupt ATP8B1 protein function. ClinVar contains an entry for this variant (Variation ID: 7262). This missense change has been observed in individuals with progressive familial intrahepatic cholestasis type 1 (PMID: 9500542, 33666275, 34016879). This variant is present in population databases (rs111033609, gnomAD 0.007%). This sequence change replaces glycine, which is neutral and non-polar, with valine, which is neutral and non-polar, at codon 308 of the ATP8B1 protein (p.Gly308Val).

Blueprint Genetics
Classification: Pathogenic for ATP8B1-related disorders. Last evaluated: 2022-09-08. Review status: criteria provided, single submitter. Criteria: ACMG Guidelines, 2015. Collection method: clinical testing. Allele origin: germline. Affected: yes. Observed: 2 variant alleles.

Eurofins Ntd Llc (ga)
Classification: Pathogenic. Last evaluated: 2017-12-19. Review status: criteria provided, single submitter. Criteria: EGL Classification Definitions 2015. Collection method: clinical testing. Allele origin: germline. Observed: 2 variant alleles, 2 homozygotes.

PreventionGenetics, part of Exact Sciences
Classification: Pathogenic for ATP8B1-related condition. Last evaluated: 2024-05-01. Review status: no assertion criteria provided. Collection method: clinical testing. Allele origin: germline. Not counted in ClinVar's aggregate classification.
Comment: The ATP8B1 c.923G>T variant is predicted to result in the amino acid substitution p.Gly308Val. This variant was reported in the homozygous or compound heterozygous state to be causative for intrahepatic cholestasis (Bull et al. 1998. PubMed ID: 9500542; Table S2, Hertel et al. 2021. PubMed ID: 34016879). Functional studies using cell cultures and mouse models also support the pathogenicity (Pawlikowska et al. 2004. PubMed ID: 14976163; Folmer et al. 2009. PubMed ID: 19731236; van der Velden et al. 2010. PubMed ID: 19918981). This variant is reported in 0.0065% of alleles in individuals of European (Non-Finnish) descent in gnomAD. This variant is interpreted as pathogenic.

Biochemical Molecular Genetic Laboratory, King Abdulaziz Medical City
Classification: Likely pathogenic for Progressive familial intrahepatic cholestasis type 1. Last evaluated: 2019-09-26. Review status: no assertion criteria provided. Collection method: clinical testing. Allele origin: germline. Affected: yes. Not counted in ClinVar's aggregate classification.

OMIM
Classification: Pathogenic for CHOLESTASIS, PROGRESSIVE FAMILIAL INTRAHEPATIC, 1. Last evaluated: 2010-10-01. Review status: no assertion criteria provided. Collection method: literature only. Allele origin: germline. Not counted in ClinVar's aggregate classification.

GeneReviews
No classification provided. Condition: Progressive familial intrahepatic cholestasis type 1. Review status: no classification provided. Collection method: literature only. Allele origin: germline. Not counted in ClinVar's aggregate classification.
Comment: Founder variant in Amish population

Literature cited by the submitters: PubMed 9500542 (cited by 5 submitters); PubMed 10323248 (cited by Genomenon, Inc); PubMed 20232290 (cited by Genomenon, Inc); PubMed 18937870 (cited by Genomenon, Inc and Eurofins Ntd Llc (ga)); PubMed 19918981 (cited by 3 submitters); PubMed 19731236 (cited by 3 submitters); PubMed 33666275 (cited by Women's Health and Genetics/Laboratory Corporation of America, LabCorp and Labcorp Genetics (formerly Invitae), Labcorp); PubMed 14976163 (cited by 3 submitters); PubMed 19381753 (cited by Labcorp Genetics (formerly Invitae), Labcorp); PubMed 34016879 (cited by Labcorp Genetics (formerly Invitae), Labcorp); PubMed 26756876 (cited by Eurofins Ntd Llc (ga)); PubMed 28045770 (cited by Eurofins Ntd Llc (ga)); PubMed 5762004 (cited by OMIM); PubMed 20852622 (cited by OMIM).

NM_001374385.1(ATP8B1):c.923G>T (p.Gly308Val)

Gene: ATP8B1 (ATPase phospholipid transporting 8B1; minus strand). Cytogenetic location: 18q21.31.
Variant type: single nucleotide variant.
Coding change: c.923G>T on transcript NM_001374385.1 (MANE Select); coding-DNA position 923, G replaced by T.
Protein change: p.Gly308Val; replaces glycine 308 with valine.
Molecular consequence: missense variant.
Genome position (GRCh38, 1-based): chr18:57,695,188, C>A on the plus strand (G>T on the coding strand, the complement: ATP8B1 is on the minus strand). VCF-style: chr18-57695188-C-A. GRCh37 (hg19) VCF-style: chr18-55362420-C-A.
Other names: c.773G>T, p.Gly258Val (NM_001374386.1); c.923G>T, p.Gly308Val (NM_005603.6); short protein forms G308V, G258V.
Identifiers: ClinVar variation 7262 (VCV000007262.17), dbSNP rs111033609, ClinGen allele CA340664.
Genomic context (GRCh38, chr18:57,695,188, plus strand): 5'-AAAGATCATAGCTGATTAATTTCCCAAGAAACTCTGAACGTACCTGCAAAAATGACTAAG[C>A]CGTGGCAGAAATCGGTGTTCCTAATTACACAGCCACGTAACAAAATTTTATCAGCATCCA-3'
Protein context (NP_001361314.1, residues 298-318): CVIRNTDFCH[Gly308Val]LVIFAGADTK